The following is an entry in ClinVar:

ClinVar aggregate classification (germline): Uncertain significance (1 of 4 stars; one submission).

Conditions:
Autosomal recessive severe congenital neutropenia due to CSF3R deficiency. Also called: Neutropenia, severe congenital, 7, autosomal recessive. Identifiers: Orphanet 420702, MedGen C4310764, MONDO:0014865, OMIM 617014.

Submission:

Labcorp Genetics (formerly Invitae), Labcorp
Classification: Uncertain significance for Autosomal recessive severe congenital neutropenia due to CSF3R deficiency. Last evaluated: 2026-01-25. Review status: criteria provided, single submitter. Criteria: Invitae Variant Classification Sherloc (09022015). Collection method: clinical testing. Allele origin: germline.
Comment: This sequence change replaces methionine, which is neutral and non-polar, with valine, which is neutral and non-polar, at codon 512 of the CSF3R protein (p.Met512Val). This variant is not present in population databases (gnomAD no frequency). This variant has not been reported in the literature in individuals affected with CSF3R-related conditions. Invitae Evidence Modeling of protein sequence and biophysical properties (such as structural, functional, and spatial information, amino acid conservation, physicochemical variation, residue mobility, and thermodynamic stability) indicates that this missense variant is not expected to disrupt CSF3R protein function with a negative predictive value of 80%. In summary, the available evidence is currently insufficient to determine the role of this variant in disease. Therefore, it has been classified as a Variant of Uncertain Significance.

NM_000760.4(CSF3R):c.1534A>G (p.Met512Val)

Gene: CSF3R (colony stimulating factor 3 receptor; minus strand). Cytogenetic location: 1p34.3.
Variant type: single nucleotide variant.
Coding change: c.1534A>G on transcript NM_000760.4 (MANE Select); coding-DNA position 1534, A replaced by G.
Protein change: p.Met512Val; replaces methionine 512 with valine.
Molecular consequence: missense variant.
Genome position (GRCh38, 1-based): chr1:36,469,198, T>C on the plus strand (A>G on the coding strand, the complement: CSF3R is on the minus strand). VCF-style: chr1-36469198-T-C. GRCh37 (hg19) VCF-style: chr1-36934799-T-C.
Other names: c.1534A>G, p.Met512Val (NM_156039.3, NM_172313.3); short protein forms M512V.
Identifiers: ClinVar variation 4811121 (VCV004811121.1).